The following is an entry in ClinVar:

ClinVar aggregate classification (germline): Uncertain significance (1 of 4 stars; one submission).

Conditions:
Hypertrophic cardiomyopathy 26. Also called: Cardiomyopathy, familial hypertrophic, 26. Identifiers: Orphanet 75249, MedGen C4310749, MONDO:0014883, OMIM 617047.
Myofibrillar myopathy 5. Also called: Filaminopathy (type); FILAMINOPATHY, AUTOSOMAL DOMINANT. Identifiers: Orphanet 171445, MedGen C1836050, MONDO:0012289, OMIM 609524.
Distal myopathy with posterior leg and anterior hand involvement. Also called: WILLIAMS DISTAL MYOPATHY. Identifiers: Orphanet 63273, MedGen C3279722, MONDO:0013550, OMIM 614065.

Submission:

Labcorp Genetics (formerly Invitae), Labcorp
Classification: Uncertain significance for Distal myopathy with posterior leg and anterior hand involvement; Myofibrillar myopathy 5; Hypertrophic cardiomyopathy 26. Last evaluated: 2023-10-06. Review status: criteria provided, single submitter. Criteria: Invitae Variant Classification Sherloc (09022015). Collection method: clinical testing. Allele origin: germline.
Comment: This sequence change replaces leucine, which is neutral and non-polar, with proline, which is neutral and non-polar, at codon 1603 of the FLNC protein (p.Leu1603Pro). This variant is not present in population databases (gnomAD no frequency). This variant has not been reported in the literature in individuals affected with FLNC-related conditions. Advanced modeling of protein sequence and biophysical properties (such as structural, functional, and spatial information, amino acid conservation, physicochemical variation, residue mobility, and thermodynamic stability) has been performed at Invitae for this missense variant, however the output from this modeling did not meet the statistical confidence thresholds required to predict the impact of this variant on FLNC protein function. In summary, the available evidence is currently insufficient to determine the role of this variant in disease. Therefore, it has been classified as a Variant of Uncertain Significance.

NM_001458.5(FLNC):c.4808T>C (p.Leu1603Pro)

Gene: FLNC (filamin C; plus strand). Cytogenetic location: 7q32.1.
Variant type: single nucleotide variant.
Coding change: c.4808T>C on transcript NM_001458.5 (MANE Select); coding-DNA position 4808, T replaced by C.
Protein change: p.Leu1603Pro; replaces leucine 1603 with proline.
Molecular consequence: missense variant.
Genome position (GRCh38, 1-based): chr7:128,848,863, T>C. VCF-style: chr7-128848863-T-C. GRCh37 (hg19) VCF-style: chr7-128488917-T-C.
Other names: c.4808T>C, p.Leu1603Pro (NM_001127487.2); short protein forms L1603P.
Identifiers: ClinVar variation 2952595 (VCV002952595.3), dbSNP rs2536648824, ClinGen allele CA369203151.